The following is an entry in ClinVar:

NM_207122.2(EXT2):c.1024del (p.Val342fs)

Gene: EXT2 (exostosin glycosyltransferase 2; plus strand). Cytogenetic location: 11p11.2.
Variant type: Deletion.
Coding change: c.1024del on transcript NM_207122.2 (MANE Select); coding-DNA position 1024, one base deleted (G; older notation c.1024delG).
Protein change: p.Val342fs; shifts the reading frame from valine 342.
Molecular consequence: frameshift variant.
Genome position (GRCh38, 1-based): chr11:44,126,900, G deleted; the last of 2 consecutive G bases (chr11:44,126,899-44,126,900); deleting either gives the same sequence. VCF-style (leftmost placement, unchanged base first): chr11-44126898-CG-C. GRCh37 (hg19) VCF-style: chr11-44148448-CG-C.
Other names: c.1123del, p.Val375fs (NM_000401.3); c.1024del, p.Val342fs (NM_001178083.3, NM_001389628.1, NM_001389630.1); short protein forms V342fs, V375fs.
Identifiers: ClinVar variation 945848 (VCV000945848.8), dbSNP rs1954415156, ClinGen allele CA1139661903.
Genomic context (GRCh38, chr11:44,126,898, plus strand): 5'-TTCGTGGAGCTCGGCTGGGCCAGGCAGTATTGAGCGATGTGTTACAAGCTGGCTGTGTCC[CG>C]GTTGTCATTGCAGACTCCTATATTTTGCCTTTCTCTGAAGTTCTTGACTGGAAGAGGTGG-3'

ClinVar aggregate classification (germline): Pathogenic (1 of 4 stars; one submission).

Conditions:
Exostoses, multiple, type 2 (EXT2). Also called: Hereditary Multiple Osteochondromatosis, Type II; EXOSTOSES, MULTIPLE, TYPE II. Identifiers: Orphanet 321, MedGen C1851413, MONDO:0007586, OMIM 133701.

Submission:

Labcorp Genetics (formerly Invitae), Labcorp
Classification: Pathogenic for Exostoses, multiple, type 2. Last evaluated: 2019-05-27. Review status: criteria provided, single submitter. Criteria: Invitae Variant Classification Sherloc (09022015). Collection method: clinical testing. Allele origin: germline.
Comment: This sequence change creates a premature translational stop signal (p.Val342Leufs*94) in the EXT2 gene. It is expected to result in an absent or disrupted protein product. This variant is not present in population databases (ExAC no frequency). This variant has not been reported in the literature in individuals with EXT2-related conditions. Loss-of-function variants in EXT2 are known to be pathogenic (PMID: 10679937, 19810120). For these reasons, this variant has been classified as Pathogenic.

Literature cited by the submitters: PubMed 10679937; PubMed 19810120.